The following is an entry in ClinVar:

NM_138773.4(SLC25A46):c.183C>T (p.Ser61=)

Gene: SLC25A46 (solute carrier family 25 member 46; plus strand). Cytogenetic location: 5q22.1.
Variant type: single nucleotide variant.
Coding change: c.183C>T on transcript NM_138773.4 (MANE Select); coding-DNA position 183, C replaced by T.
Protein change: p.Ser61=; no amino-acid change (serine 61 retained).
Molecular consequence: synonymous variant. On other transcripts: non-coding transcript variant (1), intron variant (1).
Genome position (GRCh38, 1-based): chr5:110,739,302, C>T. VCF-style: chr5-110739302-C-T. GRCh37 (hg19) VCF-style: chr5-110075003-C-T.
Other names: c.183C>T, p.Ser61= (NM_001303249.3); c.10+1055C>T (NM_001303250.3).
Identifiers: ClinVar variation 3030326 (VCV003030326.2), dbSNP rs1289674919, ClinGen allele CA445965062.

ClinVar aggregate classification (germline): Likely benign (0 of 4 stars; one submission).

Conditions:
SLC25A46-related disorder. Also called: SLC25A46-related condition.

Allele frequency attached by ClinVar (database versions not stated): gnomAD exomes below 0.00001; TOPMed below 0.00001; gnomAD 0.00001.
gnomAD v4.1: 6 of 1,572,076 alleles (0.00038%); highest among the groups gnomAD compares: Non-Finnish European, 0.00052%; no homozygotes.

Submission:

PreventionGenetics, part of Exact Sciences
Classification: Likely benign for SLC25A46-related condition. Last evaluated: 2023-12-20. Review status: no assertion criteria provided. Collection method: clinical testing. Allele origin: germline.
Comment: This variant is classified as likely benign based on ACMG/AMP sequence variant interpretation guidelines (Richards et al. 2015 PMID: 25741868, with internal and published modifications).